The following is an entry in ClinVar:

ClinVar aggregate classification (germline): Uncertain significance. Review status: criteria provided, multiple submitters, no conflicts (2 of 4 stars). 4 submissions from 4 submitters: Uncertain significance (4). Last evaluated 2025-09-17.

Conditions:
Dilated cardiomyopathy 1DD (CMD1DD). Identifiers: Orphanet 154, MedGen C2750995, MONDO:0013168, OMIM 613172.
Cardiovascular phenotype. Identifiers: MedGen CN230736.

Allele frequency attached by ClinVar (database versions not stated): gnomAD exomes below 0.00001 and 0.00001; gnomAD 0.00001; TOPMed 0.00002.
gnomAD v4.1: 8 of 1,551,580 alleles (0.00052%); highest among the groups gnomAD compares: African/African-American, 0.0027%; no homozygotes.

Submissions (4):

Ambry Genetics
Classification: Uncertain significance for Cardiovascular phenotype. Last evaluated: 2025-09-17. Review status: criteria provided, single submitter. Criteria: Ambry Variant Classification Scheme 2023. Collection method: clinical testing. Allele origin: germline.
Comment: The p.S553L variant (also known as c.1658C>T), located in coding exon 6 of the RBM20 gene, results from a C to T substitution at nucleotide position 1658. The serine at codon 553 is replaced by leucine, an amino acid with dissimilar properties. This amino acid position is conserved. In addition, this alteration is predicted to be deleterious by in silico analysis. Based on the available evidence, the clinical significance of this variant remains unclear.

GeneDx
Classification: Uncertain significance. Last evaluated: 2025-03-11. Review status: criteria provided, single submitter. Criteria: GeneDx Variant Classification Process June 2021. Collection method: clinical testing. Allele origin: germline. Affected: yes.
Comment: Not observed at significant frequency in large population cohorts (gnomAD); In silico analysis supports that this missense variant has a deleterious effect on protein structure/function; Has not been previously published as pathogenic or benign to our knowledge

Labcorp Genetics (formerly Invitae), Labcorp
Classification: Uncertain significance for Dilated cardiomyopathy 1DD. Last evaluated: 2024-07-24. Review status: criteria provided, single submitter. Criteria: Invitae Variant Classification Sherloc (09022015). Collection method: clinical testing. Allele origin: germline.
Comment: This sequence change replaces serine, which is neutral and polar, with leucine, which is neutral and non-polar, at codon 553 of the RBM20 protein (p.Ser553Leu). The frequency data for this variant in the population databases is considered unreliable, as metrics indicate poor data quality at this position in the gnomAD database. This variant has not been reported in the literature in individuals affected with RBM20-related conditions. ClinVar contains an entry for this variant (Variation ID: 667318). Advanced modeling of protein sequence and biophysical properties (such as structural, functional, and spatial information, amino acid conservation, physicochemical variation, residue mobility, and thermodynamic stability) performed at Invitae indicates that this missense variant is not expected to disrupt RBM20 protein function with a negative predictive value of 95%. In summary, the available evidence is currently insufficient to determine the role of this variant in disease. Therefore, it has been classified as a Variant of Uncertain Significance.

Laboratory for Molecular Medicine, Mass General Brigham Personalized Medicine
Classification: Uncertain significance. Last evaluated: 2018-10-26. Review status: criteria provided, single submitter. Criteria: LMM Criteria. Collection method: clinical testing. Allele origin: germline. Observed: 1 variant allele.
Comment: The p.Ser553Leu variant in RBM20 has not been previously reported in individuals with cardiomyopathy but has been identified in 1/61170 of European chromosomes by gnomAD. Computational prediction tools and conservation analysis do not provide strong support for or against an impact to the protein. In summary, the clinical significance of the p.Ser553Leu variant i s uncertain. ACMG/AMP Criteria applied: PM2.

NM_001134363.3(RBM20):c.1658C>T (p.Ser553Leu)

Gene: RBM20 (RNA binding motif protein 20; plus strand). Cytogenetic location: 10q25.2.
Variant type: single nucleotide variant.
Coding change: c.1658C>T on transcript NM_001134363.3 (MANE Select); coding-DNA position 1658, C replaced by T.
Protein change: p.Ser553Leu; replaces serine 553 with leucine.
Molecular consequence: missense variant.
Genome position (GRCh38, 1-based): chr10:110,797,638, C>T. VCF-style: chr10-110797638-C-T. GRCh37 (hg19) VCF-style: chr10-112557396-C-T.
Other names: short protein forms S553L.
Identifiers: ClinVar variation 667318 (VCV000667318.15), dbSNP rs993569055, ClinGen allele CA213245103.
Genomic context (GRCh38, chr10:110,797,638, plus strand): 5'-ATGACGTCATTAACCTGGGGCTGCCCTTTGGAAAGGTCACTAATTACATCCTCATGAAGT[C>T]GACTAATCAGGTAGGTCTGGGTACTTTCACTCCAGTGTATATGCCACAGACCACACATTA-3'
Protein context (NP_001127835.2, residues 543-563): GKVTNYILMK[Ser553Leu]TNQAFLEMAY